The following is an entry in ClinVar:

NM_004044.7(ATIC):c.1471A>G (p.Ile491Val)

Gene: ATIC (5-aminoimidazole-4-carboxamide ribonucleotide formyltransferase/IMP cyclohydrolase; plus strand). Cytogenetic location: 2q35.
Variant type: single nucleotide variant.
Coding change: c.1471A>G on transcript NM_004044.7 (MANE Select); coding-DNA position 1471, A replaced by G.
Protein change: p.Ile491Val; replaces isoleucine 491 with valine.
Molecular consequence: missense variant.
Genome position (GRCh38, 1-based): chr2:215,346,909, A>G. VCF-style: chr2-215346909-A-G. GRCh37 (hg19) VCF-style: chr2-216211632-A-G.
Other names: c.1471A>G (NM_004044.6); short protein forms I491V.
Identifiers: ClinVar variation 1433611 (VCV001433611.7), dbSNP rs372351595, ClinGen allele CA2093347.

ClinVar aggregate classification (germline): Uncertain significance. Review status: criteria provided, multiple submitters, no conflicts (2 of 4 stars). 2 submissions from 2 submitters: Uncertain significance (2). Last evaluated 2024-10-22.

Allele frequency attached by ClinVar (database versions not stated): ExAC 0.00002; gnomAD exomes 0.00002 and 0.00005; TOPMed 0.00002; gnomAD 0.00003 and 0.00004; ESP Exome Variant Server 0.00008.
gnomAD v4.1: 73 of 1,614,108 alleles (0.0045%); highest among the groups gnomAD compares: Non-Finnish European, 0.0061%; no homozygotes.

Submissions (2):

Labcorp Genetics (formerly Invitae), Labcorp
Classification: Uncertain significance. Last evaluated: 2024-10-22. Review status: criteria provided, single submitter. Criteria: Invitae Variant Classification Sherloc (09022015). Collection method: clinical testing. Allele origin: germline.
Comment: This sequence change replaces isoleucine, which is neutral and non-polar, with valine, which is neutral and non-polar, at codon 491 of the ATIC protein (p.Ile491Val). This variant is present in population databases (rs372351595, gnomAD 0.005%). This variant has not been reported in the literature in individuals affected with ATIC-related conditions. ClinVar contains an entry for this variant (Variation ID: 1433611). An algorithm developed to predict the effect of missense changes on protein structure and function (PolyPhen-2) suggests that this variant¬†is likely to be tolerated. In summary, the available evidence is currently insufficient to determine the role of this variant in disease. Therefore, it has been classified as a Variant of Uncertain Significance.

Ambry Genetics
Classification: Uncertain significance. Last evaluated: 2024-10-08. Review status: criteria provided, single submitter. Criteria: Ambry Variant Classification Scheme 2023. Collection method: clinical testing. Allele origin: germline.